The following is an entry in ClinVar:

ClinVar aggregate classification (germline): Uncertain significance (1 of 4 stars; one submission).

Conditions:
Nephronophthisis. Also called: Juvenile Nephronophthisis. Identifiers: Orphanet 655, MedGen C0687120, MONDO:0019005, HP:0000090.

Allele frequency attached by ClinVar (database versions not stated): TOPMed below 0.00001.

Submission:

Labcorp Genetics (formerly Invitae), Labcorp
Classification: Uncertain significance for Nephronophthisis. Last evaluated: 2025-01-15. Review status: criteria provided, single submitter. Criteria: Invitae Variant Classification Sherloc (09022015). Collection method: clinical testing. Allele origin: germline.
Comment: This sequence change replaces aspartic acid, which is acidic and polar, with asparagine, which is neutral and polar, at codon 99 of the IQCB1 protein (p.Asp99Asn). This variant is not present in population databases (gnomAD no frequency). This variant has not been reported in the literature in individuals affected with IQCB1-related conditions. ClinVar contains an entry for this variant (Variation ID: 1056893). Invitae Evidence Modeling of protein sequence and biophysical properties (such as structural, functional, and spatial information, amino acid conservation, physicochemical variation, residue mobility, and thermodynamic stability) indicates that this missense variant is not expected to disrupt IQCB1 protein function with a negative predictive value of 80%. In summary, the available evidence is currently insufficient to determine the role of this variant in disease. Therefore, it has been classified as a Variant of Uncertain Significance.

NM_001023570.4(IQCB1):c.295G>A (p.Asp99Asn)

Gene: IQCB1 (IQ motif containing B1; minus strand). Cytogenetic location: 3q13.33.
Variant type: single nucleotide variant.
Coding change: c.295G>A on transcript NM_001023570.4 (MANE Select); coding-DNA position 295, G replaced by A.
Protein change: p.Asp99Asn; replaces aspartic acid 99 with asparagine.
Molecular consequence: missense variant. On other transcripts: non-coding transcript variant (1).
Genome position (GRCh38, 1-based): chr3:121,826,149, C>T on the plus strand (G>A on the coding strand, the complement: IQCB1 is on the minus strand). VCF-style: chr3-121826149-C-T. GRCh37 (hg19) VCF-style: chr3-121544996-C-T.
Other names: c.295G>A, p.Asp99Asn (NM_001023571.4, NM_001319107.2); short protein forms D99N.
Identifiers: ClinVar variation 1056893 (VCV001056893.9), dbSNP rs1950459236, ClinGen allele CA354111873.
Genomic context (GRCh38, chr3:121,826,149, plus strand): 5'-CCAAAACTAGAAAATTTTCTGCAGCTGATGGAAGTAATTCATTGTAAAATTCCTCTGCAT[C>T]TTCTCCTGGCTCCAAGCCCACACAGCAATGGCTGAAATAAGAGCACAAGTTCGTGTTAAT-3'
Protein context (NP_001018864.2, residues 89-109): HCCVGLEPGE[Asp99Asn]AEEFYNELLP